The following is an entry in ClinVar:

ClinVar aggregate classification (germline): Likely benign (1 of 4 stars; one submission).

gnomAD v4.1: 64 of 81,934 alleles (0.078%); highest among the groups gnomAD compares: African/African-American, 0.38%; no homozygotes.

Submission:

CeGaT Center for Human Genetics Tuebingen
Classification: Likely benign. Last evaluated: 2026-07-01. Review status: criteria provided, single submitter. Criteria: CeGaT Center For Human Genetics Tuebingen Variant Classification Criteria Version 2. Collection method: clinical testing. Allele origin: germline. Affected: yes. Observed: 1 variant allele.
Comment: TNXB: BP4, BP7

NM_001365276.2(TNXB):c.2779+861A>G

Gene: TNXB (tenascin XB; minus strand). Cytogenetic location: 6p21.33.
Variant type: single nucleotide variant.
Coding change: c.2779+861A>G on transcript NM_001365276.2 (MANE Select); 861 bases into the intron after coding-DNA position 2779, A replaced by G.
Molecular consequence: intron variant. On other transcripts: synonymous variant (1).
Genome position (GRCh38, 1-based): chr6:32,087,924, T>C on the plus strand (A>G on the coding strand, the complement: TNXB is on the minus strand). VCF-style: chr6-32087924-T-C. GRCh37 (hg19) VCF-style: chr6-32055701-T-C.
Other names: c.2847A>G, p.Pro949= (NM_001428335.1); c.2779+861A>G (NM_019105.8).
Identifiers: ClinVar variation 5041886 (VCV005041886.1).
Genomic context (GRCh38, chr6:32,087,924, plus strand): 5'-CTCCCTTTCCTCTGCTGGCCTCGAGGGCCAAGGGGGCCGTGGGGGCCGCGGGGCTGGGGC[T>C]GGCCGGGGCCGGGACTTGGGGGGCGGGGCTGGGGGGCGCACCTCCGGGTAACTGTAGTGG-3'